The following is an entry in ClinVar:

ClinVar aggregate classification (germline): Likely benign (1 of 4 stars; one submission).

gnomAD v4.1: 20 of 1,232,136 alleles (0.0016%); highest among the groups gnomAD compares: Admixed American, 0.084%; no homozygotes.

Submission:

CeGaT Center for Human Genetics Tuebingen
Classification: Likely benign. Last evaluated: 2026-05-01. Review status: criteria provided, single submitter. Criteria: CeGaT Center For Human Genetics Tuebingen Variant Classification Criteria Version 2. Collection method: clinical testing. Allele origin: germline. Affected: yes. Observed: 1 variant allele.
Comment: GIPC3: BP4, BP7

NM_133261.3(GIPC3):c.*2954C>T

Gene: GIPC3 (GIPC PDZ domain containing family member 3; plus strand). Cytogenetic location: 19p13.3.
Variant type: single nucleotide variant.
Coding change: c.*2954C>T on transcript NM_133261.3 (MANE Select); 2954 bases downstream of the stop codon, C replaced by T.
Molecular consequence: 3 prime UTR variant. On other transcripts: synonymous variant (1).
Genome position (GRCh38, 1-based): chr19:3,593,144, C>T. VCF-style: chr19-3593144-C-T. GRCh37 (hg19) VCF-style: chr19-3593142-C-T.
Other names: c.3906C>T, p.Thr1302= (NM_001411144.1).
Identifiers: ClinVar variation 4874033 (VCV004874033.2).